The following is an entry in ClinVar:

ClinVar aggregate classification (germline): Uncertain significance (1 of 4 stars; one submission).

Conditions:
Intellectual disability. Also called: Intellectual functioning disability; intellectual disabilities; Intellectual developmental disorder. Identifiers: MedGen C3714756, MeSH D008607, MONDO:0001071, HP:0001249.

Submission:

Labcorp Genetics (formerly Invitae), Labcorp
Classification: Uncertain significance for Intellectual disability. Last evaluated: 2024-04-08. Review status: criteria provided, single submitter. Criteria: Invitae Variant Classification Sherloc (09022015). Collection method: clinical testing. Allele origin: germline.
Comment: This sequence change replaces tyrosine, which is neutral and polar, with serine, which is neutral and polar, at codon 301 of the GABRB2 protein (p.Tyr301Ser). This variant is not present in population databases (gnomAD no frequency). This missense change has been observed in individual(s) with clinical features of GABRB2-related conditions (Invitae). Advanced modeling of protein sequence and biophysical properties (such as structural, functional, and spatial information, amino acid conservation, physicochemical variation, residue mobility, and thermodynamic stability) performed at Invitae indicates that this missense variant is expected to disrupt GABRB2 protein function with a positive predictive value of 80%. This variant disrupts the p.Tyr301 amino acid residue in GABRB2. Other variant(s) that disrupt this residue have been determined to be pathogenic (Invitae). This suggests that this residue is clinically significant, and that variants that disrupt this residue are likely to be disease-causing. In summary, the available evidence is currently insufficient to determine the role of this variant in disease. Therefore, it has been classified as a Variant of Uncertain Significance.

NM_001371727.1(GABRB2):c.902A>C (p.Tyr301Ser)

Gene: GABRB2 (gamma-aminobutyric acid type A receptor subunit beta2; minus strand). Cytogenetic location: 5q34.
Variant type: single nucleotide variant.
Coding change: c.902A>C on transcript NM_001371727.1 (MANE Select); coding-DNA position 902, A replaced by C.
Protein change: p.Tyr301Ser; replaces tyrosine 301 with serine.
Molecular consequence: missense variant.
Genome position (GRCh38, 1-based): chr5:161,331,058, T>G on the plus strand (A>C on the coding strand, the complement: GABRB2 is on the minus strand). VCF-style: chr5-161331058-T-G. GRCh37 (hg19) VCF-style: chr5-160758065-T-G.
Other names: c.902A>C, p.Tyr301Ser (NM_000813.3, NM_021911.3); short protein forms Y301S.
Identifiers: ClinVar variation 3667054 (VCV003667054.2).